The following is an entry in ClinVar:

ClinVar aggregate classification (germline): Uncertain significance. Review status: criteria provided, multiple submitters, no conflicts (2 of 4 stars). 2 submissions from 2 submitters: Uncertain significance (2). Last evaluated 2025-05-20.

Conditions:
Supravalvar aortic stenosis (SVAS). Also called: Supravalvar aortic stenosis, Eisenberg type. Identifiers: Orphanet 3193, MedGen C0003499, MONDO:0008504, OMIM 185500, HP:0004381.
Cutis laxa, autosomal dominant. Also called: Cutis laxa, dominant type. Identifiers: Orphanet 90348, MedGen C0268350, MONDO:0019571.
Inborn genetic diseases. Identifiers: MedGen C0950123, MeSH D030342.

Allele frequency attached by ClinVar (database versions not stated): ExAC 0.00001; gnomAD 0.00003.
gnomAD v4.1: 127 of 1,613,898 alleles (0.0079%); highest among the groups gnomAD compares: Non-Finnish European, 0.01%; no homozygotes.

Submissions (2):

Ambry Genetics
Classification: Uncertain significance for Inborn genetic diseases. Last evaluated: 2025-05-20. Review status: criteria provided, single submitter. Criteria: Ambry Variant Classification Scheme 2023. Collection method: clinical testing. Allele origin: germline.

Labcorp Genetics (formerly Invitae), Labcorp
Classification: Uncertain significance for Supravalvar aortic stenosis. Last evaluated: 2024-05-10. Review status: criteria provided, single submitter. Criteria: Invitae Variant Classification Sherloc (09022015). Collection method: clinical testing. Allele origin: germline.
Comment: This sequence change replaces alanine, which is neutral and non-polar, with serine, which is neutral and polar, at codon 539 of the ELN protein (p.Ala539Ser). This variant is present in population databases (rs782178542, gnomAD 0.002%). This variant has not been reported in the literature in individuals affected with ELN-related conditions. ClinVar contains an entry for this variant (Variation ID: 2141760). Advanced modeling of protein sequence and biophysical properties (such as structural, functional, and spatial information, amino acid conservation, physicochemical variation, residue mobility, and thermodynamic stability) performed at Invitae indicates that this missense variant is not expected to disrupt ELN protein function with a negative predictive value of 80%. In summary, the available evidence is currently insufficient to determine the role of this variant in disease. Therefore, it has been classified as a Variant of Uncertain Significance.

NM_000501.4(ELN):c.1528G>T (p.Ala510Ser)

Genes: ELN (elastin; plus strand), ELN-AS1 (ELN antisense RNA 1; minus strand). Cytogenetic location: 7q11.23.
Variant type: single nucleotide variant.
Coding change: c.1528G>T on transcript NM_000501.4 (MANE Select); coding-DNA position 1528, G replaced by T.
Protein change: p.Ala510Ser; replaces alanine 510 with serine.
Molecular consequence: missense variant.
Genome position (GRCh38, 1-based): chr7:74,059,999, G>T. VCF-style: chr7-74059999-G-T. GRCh37 (hg19) VCF-style: chr7-73474329-G-T.
Other names: c.1441G>T, p.Ala481Ser (NM_001081752.3); c.1486G>T, p.Ala496Ser (NM_001081753.3); c.1543G>T, p.Ala515Ser (NM_001081754.3); c.1471G>T, p.Ala491Ser (NM_001081755.3); c.1528G>T, p.Ala510Ser (NM_001278912.2); c.1285G>T, p.Ala429Ser (NM_001278913.2); c.1456G>T, p.Ala486Ser (NM_001278914.2); c.1546G>T, p.Ala516Ser (NM_001278915.2); and 6 more; short protein forms A421S, A429S, A477S, A481S, A510S, A486S, A500S, A515S.
Identifiers: ClinVar variation 2141760 (VCV002141760.6), dbSNP rs782178542, ClinGen allele CA4293086.
Genomic context (GRCh38, chr7:74,059,999, plus strand): 5'-GGTGTGGCTCCTGGAGTTGGCTTGGCTCCTGGAGTTGGCGTGGCTCCTGGAGTTGGTGTG[G>T]CTCCTGGCGTTGGCGTGGCTCCCGGCATTGGCCCTGGTGGAGTTGCAGGTGAGTTTCATG-3'
Protein context (NP_000492.2, residues 500-520): GVGVAPGVGV[Ala510Ser]PGVGVAPGIG